The following is an entry in ClinVar:

ClinVar aggregate classification (germline): Conflicting classifications of pathogenicity. Review status: criteria provided, conflicting classifications (1 of 4 stars). 3 submissions from 3 submitters: Likely pathogenic (2); Uncertain significance (1). Last evaluated 2025-08-29.

Conditions:
Hypophosphatasia. Also called: Phosphoethanol-aminuria. Identifiers: Orphanet 436, MedGen C0020630, MeSH D007014, MONDO:0018570.

gnomAD v4.1: 2 of 1,600,604 alleles (0.00012%); highest among the groups gnomAD compares: South Asian, 0.0023%; no homozygotes.

Submissions (3):

Genomenon, Inc
Classification: Likely pathogenic for Hypophosphatasia. Last evaluated: 2025-08-29. Review status: criteria provided, single submitter. Criteria: Genomenon Sequence Variant Interpretation Standards. Collection method: curation. Allele origin: germline. Affected: yes.
Comment: ALPL c.297+5G>A is a splice variant located in the donor splice region of intron 4. This variant has been observed in at least one proband affected with hypophosphatasia (PMID:34924504;33827627). It has been observed in trans with a pathogenic variant (PMID:33827627). It is absent or not present at a significant frequency in gnomAD. In silico models agree that this variant is possibly or probably damaging. In conclusion, we classify ALPL c.297+5G>A as a likely pathogenic variant.

Labcorp Genetics (formerly Invitae), Labcorp
Classification: Likely pathogenic. Last evaluated: 2024-02-23. Review status: criteria provided, single submitter. Criteria: Invitae Variant Classification Sherloc (09022015). Collection method: clinical testing. Allele origin: germline.
Comment: This sequence change falls in intron 4 of the ALPL gene. It does not directly change the encoded amino acid sequence of the ALPL protein. It affects a nucleotide within the consensus splice site. This variant is present in population databases (rs776187726, gnomAD 0.004%). This variant has been observed in individual(s) with clinical features of hypophosphatasia (PMID: 33827627, 34924504, 36514157). ClinVar contains an entry for this variant (Variation ID: 2671820). Variants that disrupt the consensus splice site are a relatively common cause of aberrant splicing (PMID: 17576681, 9536098). Algorithms developed to predict the effect of sequence changes on RNA splicing suggest that this variant may disrupt the consensus splice site. In summary, the currently available evidence indicates that the variant is pathogenic, but additional data are needed to prove that conclusively. Therefore, this variant has been classified as Likely Pathogenic.

JKU Lab, Dept of Paediatrics, Johannes Kepler University
Classification: Uncertain significance for Hypophosphatasia. Last evaluated: 2023-06-20. Review status: criteria provided, single submitter. Criteria: ACMG Guidelines, 2015. Collection method: clinical testing. Allele origin: germline. Affected: yes. Observed: 1 heterozygote.
Comment: Absent in GnomAD. The ACMG criteria applied can be looked up in the ALPL gene variant database.

Literature cited by the submitters: PubMed 34924504 (cited by 3 submitters); PubMed 33827627 (cited by 3 submitters); PubMed 36514157 (cited by Labcorp Genetics (formerly Invitae), Labcorp and JKU Lab, Dept of Paediatrics, Johannes Kepler University); PubMed 17576681 (cited by Labcorp Genetics (formerly Invitae), Labcorp); PubMed 9536098 (cited by Labcorp Genetics (formerly Invitae), Labcorp).

NM_000478.6(ALPL):c.297+5G>A

Gene: ALPL (alkaline phosphatase, biomineralization associated; plus strand). Cytogenetic location: 1p36.12.
Variant type: single nucleotide variant.
Coding change: c.297+5G>A on transcript NM_000478.6 (MANE Select); 5 bases into the intron after coding-DNA position 297, G replaced by A.
Molecular consequence: intron variant.
Genome position (GRCh38, 1-based): chr1:21,561,217, G>A. VCF-style: chr1-21561217-G-A. GRCh37 (hg19) VCF-style: chr1-21887710-G-A.
Other names: c.297+5G>A (NM_001369805.2, NM_001369804.2, NM_001369803.2); c.132+5G>A (NM_001127501.4); c.66+472G>A (NM_001177520.3).
Identifiers: ClinVar variation 2671820 (VCV002671820.5), dbSNP rs776187726, ClinGen allele CA666443.
Genomic context (GRCh38, chr1:21,561,217, plus strand): 5'-CTGGGGAGGAGACCAGGCTGGAGATGGACAAGTTCCCCTTCGTGGCCCTCTCCAAGGTGA[G>A]CCCCATCCCCAAGCCCAGTTCAGGTCTGTATATCCAGTATCCAGGTCGAGCATCTGAACA-3'